The following is an entry in ClinVar:

ClinVar aggregate classification (germline): Likely benign (1 of 4 stars; one submission).

Allele frequency attached by ClinVar (database versions not stated): gnomAD 0.00002; TOPMed 0.00002.
gnomAD v4.1: 13 of 1,612,700 alleles (0.00081%); highest among the groups gnomAD compares: East Asian, 0.0045%; no homozygotes.

Submission:

CeGaT Center for Human Genetics Tuebingen
Classification: Likely benign. Last evaluated: 2024-02-01. Review status: criteria provided, single submitter. Criteria: CeGaT Center For Human Genetics Tuebingen Variant Classification Criteria Version 2. Collection method: clinical testing. Allele origin: germline. Affected: yes. Observed: 1 variant allele.
Comment: CHD3: BP4, BP7

NM_001005273.3(CHD3):c.1317C>T (p.Tyr439=)

Gene: CHD3 (chromodomain helicase DNA binding protein 3; plus strand). Cytogenetic location: 17p13.1.
Variant type: single nucleotide variant.
Coding change: c.1317C>T on transcript NM_001005273.3 (MANE Select); coding-DNA position 1317, C replaced by T.
Protein change: p.Tyr439=; no amino-acid change (tyrosine 439 retained).
Molecular consequence: synonymous variant.
Genome position (GRCh38, 1-based): chr17:7,894,964, C>T. VCF-style: chr17-7894964-C-T. GRCh37 (hg19) VCF-style: chr17-7798282-C-T.
Other names: c.1317C>T, p.Tyr439= (NM_005852.4); c.1494C>T, p.Tyr498= (NM_001005271.3).
Identifiers: ClinVar variation 3025545 (VCV003025545.22), dbSNP rs777737440, ClinGen allele CA8362647.